The following is an entry in ClinVar:

NM_003896.4(ST3GAL5):c.850-1G>A

Gene: ST3GAL5 (ST3 beta-galactoside alpha-2,3-sialyltransferase 5; minus strand). Cytogenetic location: 2p11.2.
Variant type: single nucleotide variant.
Coding change: c.850-1G>A on transcript NM_003896.4 (MANE Select); the canonical splice acceptor site of the intron before coding-DNA position 850, G replaced by A.
Molecular consequence: splice acceptor variant. On other transcripts: intron variant (1).
Genome position (GRCh38, 1-based): chr2:85,844,555, C>T on the plus strand (G>A on the coding strand, the complement: ST3GAL5 is on the minus strand). VCF-style: chr2-85844555-C-T. GRCh37 (hg19) VCF-style: chr2-86071678-C-T.
Other names: c.466-1G>A (NM_001354226.2, NM_001354233.2, NM_001354224.2 and 3 more transcripts); c.766-1G>A (NM_001354227.2, NM_001354229.2, NM_001354238.1); c.781-1G>A (NM_001042437.2); c.849+1822G>A (NM_001363847.1); c.127-1G>A (NM_001354247.1).
Identifiers: ClinVar variation 1325141 (VCV001325141.7), dbSNP rs2103936382, ClinGen allele CA347503703.

ClinVar aggregate classification (germline): Likely pathogenic. Review status: criteria provided, multiple submitters, no conflicts (2 of 4 stars). 2 submissions from 2 submitters: Likely pathogenic (2). Last evaluated 2023-12-06.

Conditions:
GM3 synthase deficiency (SPDRS). Also called: AMISH INFANTILE EPILEPSY SYNDROME; SALT AND PEPPER MENTAL RETARDATION SYNDROME; SALT AND PEPPER DEVELOPMENTAL REGRESSION SYNDROME. Identifiers: Orphanet 171714, Orphanet 370933, MedGen C1836824, MONDO:0018274, OMIM 609056.

Submissions (2):

Labcorp Genetics (formerly Invitae), Labcorp
Classification: Likely pathogenic for GM3 synthase deficiency. Last evaluated: 2023-12-06. Review status: criteria provided, single submitter. Criteria: Invitae Variant Classification Sherloc (09022015). Collection method: clinical testing. Allele origin: germline.
Comment: This sequence change affects an acceptor splice site in intron 5 of the ST3GAL5 gene. It is expected to disrupt RNA splicing. Variants that disrupt the donor or acceptor splice site typically lead to a loss of protein function (PMID: 16199547), and loss-of-function variants in ST3GAL5 are known to be pathogenic (PMID: 15502825, 22990144, 27232954). This variant is not present in population databases (gnomAD no frequency). This variant has not been reported in the literature in individuals affected with ST3GAL5-related conditions. ClinVar contains an entry for this variant (Variation ID: 1325141). Algorithms developed to predict the effect of sequence changes on RNA splicing suggest that this variant may disrupt the consensus splice site. In summary, the currently available evidence indicates that the variant is pathogenic, but additional data are needed to prove that conclusively. Therefore, this variant has been classified as Likely Pathogenic.

Revvity Omics, Revvity
Classification: Likely pathogenic for GM3 synthase deficiency. Last evaluated: 2019-10-24. Review status: criteria provided, single submitter. Criteria: ACMG Guidelines, 2015. Collection method: clinical testing. Allele origin: germline.

Literature cited by the submitters: PubMed 16199547 (cited by Labcorp Genetics (formerly Invitae), Labcorp); PubMed 15502825 (cited by Labcorp Genetics (formerly Invitae), Labcorp); PubMed 22990144 (cited by Labcorp Genetics (formerly Invitae), Labcorp); PubMed 27232954 (cited by Labcorp Genetics (formerly Invitae), Labcorp).